The following is an entry in ClinVar:

ClinVar aggregate classification (germline): Uncertain significance. Review status: criteria provided, multiple submitters, no conflicts (2 of 4 stars). 2 submissions from 2 submitters: Uncertain significance (2). Last evaluated 2025-11-18.

Conditions:
Immunodeficiency-centromeric instability-facial anomalies syndrome 3 (ICF3). Identifiers: Orphanet 2268, MedGen C4310799, MONDO:0014828, OMIM 616910.

Submissions (2):

Laboratorio de Genetica e Diagnostico Molecular, Hospital Israelita Albert Einstein
Classification: Uncertain significance for Immunodeficiency-centromeric instability-facial anomalies syndrome 3. Last evaluated: 2025-11-18. Review status: criteria provided, single submitter. Criteria: ACMG Guidelines, 2015. Collection method: clinical testing. Allele origin: germline. Affected: yes.
Comment: ACMG classification criteria: PM2 supporting

Labcorp Genetics (formerly Invitae), Labcorp
Classification: Uncertain significance. Last evaluated: 2021-05-29. Review status: criteria provided, single submitter. Criteria: Invitae Variant Classification Sherloc (09022015). Collection method: clinical testing. Allele origin: germline.
Comment: In summary, the available evidence is currently insufficient to determine the role of this variant in disease. Therefore, it has been classified as a Variant of Uncertain Significance. Algorithms developed to predict the effect of sequence changes on RNA splicing suggest that this variant may create or strengthen a splice site, but this prediction has not been confirmed by published transcriptional studies. Algorithms developed to predict the effect of missense changes on protein structure and function (SIFT, PolyPhen-2, Align-GVGD) all suggest that this variant is likely to be disruptive, but these predictions have not been confirmed by published functional studies and their clinical significance is uncertain. This variant has not been reported in the literature in individuals with CDCA7-related conditions. This variant is not present in population databases (ExAC no frequency). This sequence change replaces alanine with glycine at codon 391 of the CDCA7 protein (p.Ala391Gly). The alanine residue is highly conserved and there is a small physicochemical difference between alanine and glycine.

NM_031942.5(CDCA7):c.1172C>G (p.Ala391Gly)

Gene: CDCA7 (cell division cycle associated 7; plus strand). Cytogenetic location: 2q31.1.
Variant type: single nucleotide variant.
Coding change: c.1172C>G on transcript NM_031942.5 (MANE Select); coding-DNA position 1172, C replaced by G.
Protein change: p.Ala391Gly; replaces alanine 391 with glycine.
Molecular consequence: missense variant.
Genome position (GRCh38, 1-based): chr2:173,366,419, C>G. VCF-style: chr2-173366419-C-G. GRCh37 (hg19) VCF-style: chr2-174231147-C-G.
Other names: c.935C>G, p.Ala312Gly (NM_145810.3); short protein forms A391G, A312G.
Identifiers: ClinVar variation 1357119 (VCV001357119.9), dbSNP rs1418376797, ClinGen allele CA349331038.